The following is an entry in ClinVar:

NM_144596.4(TTC8):c.456C>T (p.Thr152=)

Gene: TTC8 (tetratricopeptide repeat domain 8; plus strand). Cytogenetic location: 14q31.3.
Variant type: single nucleotide variant.
Coding change: c.456C>T on transcript NM_144596.4 (MANE Select); coding-DNA position 456, C replaced by T.
Protein change: p.Thr152=; no amino-acid change (threonine 152 retained).
Molecular consequence: synonymous variant. On other transcripts: 5 prime UTR variant (2), non-coding transcript variant (1).
Genome position (GRCh38, 1-based): chr14:88,841,163, C>T. VCF-style: chr14-88841163-C-T. GRCh37 (hg19) VCF-style: chr14-89307507-C-T.
Other names: c.426C>T, p.Thr142= (NM_001288781.1, NM_001366535.2, NM_001366536.2 and 2 more transcripts); c.-137C>T (NM_001288782.1); c.-232C>T (NM_001288783.1).
Identifiers: ClinVar variation 4994245 (VCV004994245.1).
Genomic context (GRCh38, chr14:88,841,163, plus strand): 5'-AGGCACTATGGAACAGGCTATCAGAACACCCAGAACCGCCTACACAGCCCGCCCTATCAC[C>T]AGCTCCTCCGGAAGATTTGTCAGGCTGGGAACGGTAAATTCTATCAGCTTTCCCATAGCC-3'
Protein context (NP_653197.2, residues 142-162): PRTAYTARPI[Thr152=]SSSGRFVRLG

ClinVar aggregate classification (germline): Likely benign (1 of 4 stars; one submission).

Conditions:
TTC8-related disorder. Also called: TTC8-related condition.

gnomAD v4.1: 10 of 1,613,982 alleles (0.00062%); highest among the groups gnomAD compares: South Asian, 0.011%; no homozygotes.

Submission:

PreventionGenetics, part of Exact Sciences
Classification: Likely benign for TTC8-related condition. Last evaluated: 2026-02-12. Review status: criteria provided, single submitter. Criteria: ACMG Guidelines, 2015. Collection method: clinical testing. Allele origin: germline.
Comment: This variant is classified as likely benign based on ACMG/AMP sequence variant interpretation guidelines (Richards et al. 2015 PMID: 25741868, with internal and published modifications).